The following is an entry in ClinVar:

NM_003998.4(NFKB1):c.1480A>C (p.Ser494Arg)

Gene: NFKB1 (nuclear factor kappa B subunit 1; plus strand). Cytogenetic location: 4q24.
Variant type: single nucleotide variant.
Coding change: c.1480A>C on transcript NM_003998.4 (MANE Select); coding-DNA position 1480, A replaced by C.
Protein change: p.Ser494Arg; replaces serine 494 with arginine.
Molecular consequence: missense variant.
Genome position (GRCh38, 1-based): chr4:102,596,317, A>C. VCF-style: chr4-102596317-A-C. GRCh37 (hg19) VCF-style: chr4-103517474-A-C.
Other names: c.1477A>C, p.Ser493Arg (NM_001165412.2, NM_001319226.2, NM_001382627.1); c.1480A>C, p.Ser494Arg (NM_001382625.1, NM_001382626.1); c.1438A>C, p.Ser480Arg (NM_001382628.1); short protein forms S493R, S480R, S494R.
Identifiers: ClinVar variation 1464708 (VCV001464708.8), dbSNP rs376402199, ClinGen allele CA3026161.

ClinVar aggregate classification (germline): Uncertain significance (1 of 4 stars; one submission).

Allele frequency attached by ClinVar (database versions not stated): gnomAD exomes 0.00001 and 0.00002; ExAC 0.00002; TOPMed 0.00002; gnomAD 0.00003; ESP Exome Variant Server 0.00008.
gnomAD v4.1: 20 of 1,607,966 alleles (0.0012%); highest among the groups gnomAD compares: Middle Eastern, 0.05%; no homozygotes.

Submission:

Labcorp Genetics (formerly Invitae), Labcorp
Classification: Uncertain significance. Last evaluated: 2025-05-22. Review status: criteria provided, single submitter. Criteria: Invitae Variant Classification Sherloc (09022015). Collection method: clinical testing. Allele origin: germline.
Comment: This sequence change replaces serine, which is neutral and polar, with arginine, which is basic and polar, at codon 494 of the NFKB1 protein (p.Ser494Arg). This variant is present in population databases (rs376402199, gnomAD 0.008%). This variant has not been reported in the literature in individuals affected with NFKB1-related conditions. ClinVar contains an entry for this variant (Variation ID: 1464708). Invitae Evidence Modeling of protein sequence and biophysical properties (such as structural, functional, and spatial information, amino acid conservation, physicochemical variation, residue mobility, and thermodynamic stability) indicates that this missense variant is not expected to disrupt NFKB1 protein function with a negative predictive value of 80%. In summary, the available evidence is currently insufficient to determine the role of this variant in disease. Therefore, it has been classified as a Variant of Uncertain Significance.